The following is an entry in ClinVar:

ClinVar aggregate classification (germline): Conflicting classifications of pathogenicity. Review status: criteria provided, conflicting classifications (1 of 4 stars). 5 submissions from 5 submitters: Uncertain significance (3); Likely benign (2). Last evaluated 2025-03-13.

Conditions:
NOTCH2-related disorder. Also called: NOTCH2-related condition.
Inborn genetic diseases. Identifiers: MedGen C0950123, MeSH D030342.
Alagille syndrome due to a NOTCH2 point mutation. Also called: Alagille syndrome 2. Identifiers: Orphanet 261629, Orphanet 52, MedGen C1857761, MONDO:0012439, OMIM 610205.
Hajdu-Cheney syndrome (HJCYS). Also called: ACROOSTEOLYSIS WITH OSTEOPOROSIS AND CHANGES IN SKULL AND MANDIBLE; Acroosteolysis dominant type; SERPENTINE FIBULA-POLYCYSTIC KIDNEY SYNDROME. Identifiers: Orphanet 955, MedGen C0917715, MONDO:0007057, OMIM 102500.

Allele frequency attached by ClinVar (database versions not stated): gnomAD exomes 0.00001 and 0.00004; ExAC 0.00005; TOPMed 0.00008; gnomAD 0.00012 and 0.00013; ESP Exome Variant Server 0.00023.
gnomAD v4.1: 34 of 1,614,196 alleles (0.0021%); highest among the groups gnomAD compares: African/African-American, 0.041%; no homozygotes.

Submissions (5):

PreventionGenetics, part of Exact Sciences
Classification: Uncertain significance for NOTCH2-related condition. Last evaluated: 2025-03-13. Review status: criteria provided, single submitter. Criteria: ACMG Guidelines, 2015. Collection method: clinical testing. Allele origin: germline.
Comment: The NOTCH2 c.6362A>G variant is predicted to result in the amino acid substitution p.Lys2121Arg. To our knowledge, this variant has not been reported in the literature. An alternate missense change at the same amino acid position (p.Lys2121Asn) has been reported in an individual with bicuspid aortic valve (Bonachea et al. 2014. PubMed ID: 25260786). This variant is reported in 0.044% of alleles in individuals of African descent in gnomAD. Although we suspect that this variant may be benign, at this time, the clinical significance of this variant is uncertain due to the absence of conclusive functional and genetic evidence.

Labcorp Genetics (formerly Invitae), Labcorp
Classification: Likely benign for Hajdu-Cheney syndrome. Last evaluated: 2024-05-22. Review status: criteria provided, single submitter. Criteria: Invitae Variant Classification Sherloc (09022015). Collection method: clinical testing. Allele origin: germline.

Fulgent Genetics
Classification: Likely benign for Hajdu-Cheney syndrome; Alagille syndrome due to a NOTCH2 point mutation. Last evaluated: 2024-03-29. Review status: criteria provided, single submitter. Criteria: ACMG Guidelines, 2015. Collection method: clinical testing. Allele origin: germline.

Ambry Genetics
Classification: Uncertain significance for Inborn genetic diseases. Last evaluated: 2022-12-14. Review status: criteria provided, single submitter. Criteria: Ambry Variant Classification Scheme 2023. Collection method: clinical testing. Allele origin: germline.

Eurofins Ntd Llc (ga)
Classification: Uncertain significance. Last evaluated: 2018-04-17. Review status: criteria provided, single submitter. Criteria: EGL ClinVar v180209 classification definitions. Collection method: clinical testing. Allele origin: germline. Observed: 5 variant alleles, 5 heterozygotes.

NM_024408.4(NOTCH2):c.6362A>G (p.Lys2121Arg)

Gene: NOTCH2 (notch receptor 2; minus strand). Cytogenetic location: 1p12.
Variant type: single nucleotide variant.
Coding change: c.6362A>G on transcript NM_024408.4 (MANE Select); coding-DNA position 6362, A replaced by G.
Protein change: p.Lys2121Arg; replaces lysine 2121 with arginine.
Molecular consequence: missense variant.
Genome position (GRCh38, 1-based): chr1:119,916,360, T>C on the plus strand (A>G on the coding strand, the complement: NOTCH2 is on the minus strand). VCF-style: chr1-119916360-T-C. GRCh37 (hg19) VCF-style: chr1-120458983-T-C.
Other names: c.6362A>G (NM_024408.3); short protein forms K2121R.
Identifiers: ClinVar variation 282549 (VCV000282549.16), dbSNP rs148393324, ClinGen allele CA1039440.